The following is an entry in ClinVar:

NM_005709.4(USH1C):c.1244C>T (p.Ala415Val)

Gene: USH1C (USH1 protein network component harmonin; minus strand). Cytogenetic location: 11p15.1.
Variant type: single nucleotide variant.
Coding change: c.1244C>T on transcript NM_005709.4 (MANE Plus Clinical); coding-DNA position 1244, C replaced by T.
Protein change: p.Ala415Val; replaces alanine 415 with valine.
Molecular consequence: missense variant. On other transcripts: intron variant (1).
Genome position (GRCh38, 1-based): chr11:17,517,441, G>A on the plus strand (C>T on the coding strand, the complement: USH1C is on the minus strand). VCF-style: chr11-17517441-G-A. GRCh37 (hg19) VCF-style: chr11-17538988-G-A.
Other names: c.1187C>T, p.Ala396Val (NM_001297764.2); c.1211-1151C>T (NM_153676.4); short protein forms A396V, A415V.
Identifiers: ClinVar variation 939198 (VCV000939198.4), dbSNP rs1460150108, ClinGen allele CA379782558.

ClinVar aggregate classification (germline): Uncertain significance (1 of 4 stars; one submission).

gnomAD v4.1: 16 of 1,595,994 alleles (0.001%); highest among the groups gnomAD compares: Non-Finnish European, 0.0013%; no homozygotes.

Submission:

Labcorp Genetics (formerly Invitae), Labcorp
Classification: Uncertain significance. Last evaluated: 2021-09-01. Review status: criteria provided, single submitter. Criteria: Invitae Variant Classification Sherloc (09022015). Collection method: clinical testing. Allele origin: germline.
Comment: This sequence change replaces alanine with valine at codon 415 of the USH1C protein (p.Ala415Val). The alanine residue is weakly conserved and there is a small physicochemical difference between alanine and valine. This variant is not present in population databases (ExAC no frequency). This variant has not been reported in the literature in individuals affected with USH1C-related conditions. Algorithms developed to predict the effect of missense changes on protein structure and function (SIFT, PolyPhen-2, Align-GVGD) all suggest that this variant is likely to be tolerated. In summary, the available evidence is currently insufficient to determine the role of this variant in disease. Therefore, it has been classified as a Variant of Uncertain Significance.